The following is an entry in ClinVar:

ClinVar aggregate classification (germline): Uncertain significance. Review status: criteria provided, multiple submitters, no conflicts (2 of 4 stars). 2 submissions from 2 submitters: Uncertain significance (2). Last evaluated 2025-04-07.

Conditions:
Inborn genetic diseases. Identifiers: MedGen C0950123, MeSH D030342.

Allele frequency attached by ClinVar (database versions not stated): TOPMed below 0.00001.
gnomAD v4.1: 1 of 1,614,206 alleles (0.000062%); no homozygotes.

Submissions (2):

Ambry Genetics
Classification: Uncertain significance for Inborn genetic diseases. Last evaluated: 2025-04-07. Review status: criteria provided, single submitter. Criteria: Ambry Variant Classification Scheme 2023. Collection method: clinical testing. Allele origin: germline.

Labcorp Genetics (formerly Invitae), Labcorp
Classification: Uncertain significance. Last evaluated: 2023-04-13. Review status: criteria provided, single submitter. Criteria: Invitae Variant Classification Sherloc (09022015). Collection method: clinical testing. Allele origin: germline.
Comment: This variant is not present in population databases (gnomAD no frequency). This sequence change replaces aspartic acid, which is acidic and polar, with glutamic acid, which is acidic and polar, at codon 576 of the ITGB3 protein (p.Asp576Glu). This variant has not been reported in the literature in individuals affected with ITGB3-related conditions. Advanced modeling of protein sequence and biophysical properties (such as structural, functional, and spatial information, amino acid conservation, physicochemical variation, residue mobility, and thermodynamic stability) performed at Invitae indicates that this missense variant is not expected to disrupt ITGB3 protein function. In summary, the available evidence is currently insufficient to determine the role of this variant in disease. Therefore, it has been classified as a Variant of Uncertain Significance.

NM_000212.3(ITGB3):c.1728C>G (p.Asp576Glu)

Gene: ITGB3 (integrin subunit beta 3; plus strand). Cytogenetic location: 17q21.32.
Variant type: single nucleotide variant.
Coding change: c.1728C>G on transcript NM_000212.3 (MANE Select); coding-DNA position 1728, C replaced by G.
Protein change: p.Asp576Glu; replaces aspartic acid 576 with glutamic acid.
Molecular consequence: missense variant.
Genome position (GRCh38, 1-based): chr17:47,299,345, C>G. VCF-style: chr17-47299345-C-G. GRCh37 (hg19) VCF-style: chr17-45376711-C-G.
Other names: short protein forms D576E.
Identifiers: ClinVar variation 2884192 (VCV002884192.4), dbSNP rs2065157194, ClinGen allele CA400032412.